The following is an entry in ClinVar:

NM_001100.4(ACTA1):c.536G>A (p.Arg179His)

Gene: ACTA1 (actin alpha 1, skeletal muscle; minus strand). Cytogenetic location: 1q42.13.
Variant type: single nucleotide variant.
Coding change: c.536G>A on transcript NM_001100.4 (MANE Select); coding-DNA position 536, G replaced by A.
Protein change: p.Arg179His; replaces arginine 179 with histidine.
Molecular consequence: missense variant.
Genome position (GRCh38, 1-based): chr1:229,432,350, C>T on the plus strand (G>A on the coding strand, the complement: ACTA1 is on the minus strand). VCF-style: chr1-229432350-C-T. GRCh37 (hg19) VCF-style: chr1-229568097-C-T.
Other names: short protein forms R179H.
Identifiers: ClinVar variation 2632575 (VCV002632575.1), dbSNP rs727503797, ClinGen allele CA345148332.

ClinVar aggregate classification (germline): Likely pathogenic (1 of 4 stars; one submission).

Conditions:
ACTA1-related disorder. Also called: ACTA1-related condition.

Submission:

PreventionGenetics, part of Exact Sciences
Classification: Likely pathogenic for ACTA1-related condition. Last evaluated: 2023-05-19. Review status: criteria provided, single submitter. Criteria: ACMG Guidelines, 2015. Collection method: clinical testing. Allele origin: germline.
Comment: The ACTA1 c.536G>A variant is predicted to result in the amino acid substitution p.Arg179His. To our knowledge, this variant has not been reported in the literature or in a large population database, indicating this variant is rare. This variant is interpreted as likely pathogenic.